The following is an entry in ClinVar:

NM_001395413.1(POR):c.854C>T (p.Ala285Val)

Genes: POR (cytochrome p450 oxidoreductase; plus strand), LOC126860075 (CDK7 strongly-dependent group 2 enhancer GRCh37_chr7:75612087-75613286; plus strand). Cytogenetic location: 7q11.23.
Variant type: single nucleotide variant.
Coding change: c.854C>T on transcript NM_001395413.1 (MANE Select); coding-DNA position 854, C replaced by T.
Protein change: p.Ala285Val; replaces alanine 285 with valine.
Molecular consequence: missense variant.
Genome position (GRCh38, 1-based): chr7:75,983,552, C>T. VCF-style: chr7-75983552-C-T. GRCh37 (hg19) VCF-style: chr7-75612870-C-T.
Other names: c.854C>T, p.Ala285Val (NM_001367562.3, NM_001382657.2, NM_001382658.3 and 2 more transcripts); c.908C>T, p.Ala303Val (NM_001382655.3); short protein forms A303V, A285V.
Identifiers: ClinVar variation 4764130 (VCV004764130.1).
Genomic context (GRCh38, chr7:75,983,552, plus strand): 5'-TCACTGTGCTTCTCTCCTCCCCACCCAGCCCCTTTGATGCCAAGAATCCGTTCCTGGCTG[C>T]AGTCACCACCAACCGGAAGCTGAACCAGGGAACCGAGCGCCACCTCATGCACCTGGAATT-3'
Protein context (NP_001382342.1, residues 275-295): PFDAKNPFLA[Ala285Val]VTTNRKLNQG

ClinVar aggregate classification (germline): Uncertain significance (1 of 4 stars; one submission).

Conditions:
Congenital adrenal hyperplasia due to cytochrome P450 oxidoreductase deficiency. Also called: DISORDERED STEROIDOGENESIS DUE TO POR DEFICIENCY. Identifiers: Orphanet 95699, MedGen C1860042, MONDO:0013310, OMIM 613571.

gnomAD v4.1: 1 of 1,613,106 alleles (0.000062%); highest among the groups gnomAD compares: Non-Finnish European, 0.000085%; no homozygotes.

Submission:

Labcorp Genetics (formerly Invitae), Labcorp
Classification: Uncertain significance for Congenital adrenal hyperplasia due to cytochrome P450 oxidoreductase deficiency. Last evaluated: 2025-11-06. Review status: criteria provided, single submitter. Criteria: Invitae Variant Classification Sherloc (09022015). Collection method: clinical testing. Allele origin: germline.
Comment: This sequence change replaces alanine, which is neutral and non-polar, with valine, which is neutral and non-polar, at codon 288 of the POR protein (p.Ala288Val). This variant is not present in population databases (gnomAD no frequency). This variant has not been reported in the literature in individuals affected with POR-related conditions. Invitae Evidence Modeling of protein sequence and biophysical properties (such as structural, functional, and spatial information, amino acid conservation, physicochemical variation, residue mobility, and thermodynamic stability) indicates that this missense variant is not expected to disrupt POR protein function with a negative predictive value of 80%. In summary, the available evidence is currently insufficient to determine the role of this variant in disease. Therefore, it has been classified as a Variant of Uncertain Significance.